The following is an entry in ClinVar:

ClinVar aggregate classification (germline): Benign/Likely benign. Review status: criteria provided, multiple submitters, no conflicts (2 of 4 stars). 3 submissions from 3 submitters: Benign (1); Likely benign (2). Last evaluated 2024-10-01.

Conditions:
Familial cancer of breast. Also called: hereditary breast carcinoma; BREAST CANCER, FAMILIAL; Hereditary breast cancer. Identifiers: Orphanet 227535, MedGen C0346153, MONDO:0016419, OMIM 114480. Disease mechanism: loss of function.
Hereditary cancer-predisposing syndrome. Also called: Hereditary Cancer Syndrome; Hereditary neoplastic syndrome; Tumor predisposition; Neoplastic Syndromes, Hereditary. Identifiers: Orphanet 140162, MedGen C0027672, MeSH D009386, MONDO:0015356.

gnomAD v4.1: 1 of 1,613,480 alleles (0.000062%); highest among the groups gnomAD compares: African/African-American, 0.0013%; no homozygotes.

Submissions (3):

Myriad Genetics, Inc.
Classification: Benign for Familial cancer of breast. Last evaluated: 2024-10-01. Review status: criteria provided, single submitter. Criteria: Myriad Autosomal Dominant, Autosomal Recessive and X-Linked Classification Criteria (2023). Collection method: clinical testing. Allele origin: unknown.
Comment: This variant is considered benign. This variant is a silent/synonymous amino acid change and it is not expected to impact splicing.

Labcorp Genetics (formerly Invitae), Labcorp
Classification: Likely benign for Familial cancer of breast. Last evaluated: 2024-09-23. Review status: criteria provided, single submitter. Criteria: Invitae Variant Classification Sherloc (09022015). Collection method: clinical testing. Allele origin: germline.

Ambry Genetics
Classification: Likely benign for Hereditary cancer-predisposing syndrome. Last evaluated: 2021-07-26. Review status: criteria provided, single submitter. Criteria: Ambry Variant Classification Scheme 2023. Collection method: clinical testing. Allele origin: germline.

NM_007194.4(CHEK2):c.24G>A (p.Glu8=)

Gene: CHEK2 (checkpoint kinase 2; minus strand). Cytogenetic location: 22q12.1.
Variant type: single nucleotide variant.
Coding change: c.24G>A on transcript NM_007194.4 (MANE Select); coding-DNA position 24, G replaced by A.
Protein change: p.Glu8=; no amino-acid change (glutamic acid 8 retained).
Molecular consequence: synonymous variant.
Genome position (GRCh38, 1-based): chr22:28,734,698, C>T on the plus strand (G>A on the coding strand, the complement: CHEK2 is on the minus strand). VCF-style: chr22-28734698-C-T. GRCh37 (hg19) VCF-style: chr22-29130686-C-T.
Other names: c.24G>A, p.Glu8= (NM_001005735.3, NM_001349956.3, NM_145862.3); c.-754G>A (NM_001257387.3).
Identifiers: ClinVar variation 1078554 (VCV001078554.13), dbSNP rs780920036, ClinGen allele CA322998941.
Genomic context (GRCh38, chr22:28,734,698, plus strand): 5'-GGACTGGGTAACGCTGCCATGGGGCTGTGAACAGGCACTGCTGCCATGAGACTGCTGAGC[C>T]TCAACATCCGACTCCCGAGACATCACGACCTCAAAAAGAAAGTGTCCAACAACAAAGGTG-3'
Protein context (NP_009125.1, residues 1-18): MSRESDV[Glu8=]AQQSHGSSAC